The following is an entry in ClinVar:

ClinVar aggregate classification (germline): Uncertain significance (1 of 4 stars; one submission).

Conditions:
Menkes kinky-hair syndrome (MNK). Also called: Classic Menkes Disease; Copper transport disease; Menkes Disease. Identifiers: Orphanet 565, MedGen C0022716, MONDO:0010651, OMIM 309400.
Cutis laxa, X-linked (OHS). Also called: EDS IX; Occipital horn syndrome. Identifiers: Orphanet 198, MedGen C0268353, MONDO:0010572, OMIM 304150.
X-linked distal spinal muscular atrophy type 3. Also called: ATP7A-Related Distal Motor Neuropathy; SPINAL MUSCULAR ATROPHY, DISTAL, X-LINKED RECESSIVE; NEURONOPATHY, DISTAL HEREDITARY MOTOR, X-LINKED; NEUROPATHY, DISTAL HEREDITARY MOTOR, X-LINKED. Identifiers: Orphanet 139557, MedGen C1845359, MONDO:0010338, OMIM 300489.

Submission:

Labcorp Genetics (formerly Invitae), Labcorp
Classification: Uncertain significance for X-linked distal spinal muscular atrophy type 3; Cutis laxa, X-linked; Menkes kinky-hair syndrome. Last evaluated: 2025-10-24. Review status: criteria provided, single submitter. Criteria: Invitae Variant Classification Sherloc (09022015). Collection method: clinical testing. Allele origin: germline.
Comment: This sequence change replaces cysteine, which is neutral and slightly polar, with tyrosine, which is neutral and polar, at codon 1108 of the ATP7A protein (p.Cys1108Tyr). This variant is not present in population databases (gnomAD no frequency). This variant has not been reported in the literature in individuals affected with ATP7A-related conditions. Invitae Evidence Modeling of protein sequence and biophysical properties (such as structural, functional, and spatial information, amino acid conservation, physicochemical variation, residue mobility, and thermodynamic stability) has been performed for this missense variant. However, the output from this modeling did not meet the statistical confidence thresholds required to predict the impact of this variant on ATP7A protein function. In summary, the available evidence is currently insufficient to determine the role of this variant in disease. Therefore, it has been classified as a Variant of Uncertain Significance.

NM_000052.7(ATP7A):c.3323G>A (p.Cys1108Tyr)

Gene: ATP7A (ATPase copper transporting alpha; plus strand). Cytogenetic location: Xq21.1.
Variant type: single nucleotide variant.
Coding change: c.3323G>A on transcript NM_000052.7 (MANE Select); coding-DNA position 3323, G replaced by A.
Protein change: p.Cys1108Tyr; replaces cysteine 1108 with tyrosine.
Molecular consequence: missense variant. On other transcripts: non-coding transcript variant (1).
Genome position (GRCh38, 1-based): chrX:78,033,633, G>A. VCF-style: chrX-78033633-G-A. GRCh37 (hg19) VCF-style: chrX-77289131-G-A.
Other names: c.3089G>A, p.Cys1030Tyr (NM_001282224.2); short protein forms C1030Y, C1108Y.
Identifiers: ClinVar variation 4792906 (VCV004792906.1).